The following is an entry in ClinVar:

ClinVar aggregate classification (germline): Likely benign. Review status: criteria provided, multiple submitters, no conflicts (2 of 4 stars). 6 submissions from 6 submitters: Likely benign (6). Last evaluated 2025-11-04.

Conditions:
FLNC-related disorder. Also called: FLNC-related condition; FLNC-related disorders.
Cardiovascular phenotype. Identifiers: MedGen CN230736.
Hypertrophic cardiomyopathy 26. Also called: Cardiomyopathy, familial hypertrophic, 26. Identifiers: Orphanet 75249, MedGen C4310749, MONDO:0014883, OMIM 617047.
Distal myopathy with posterior leg and anterior hand involvement. Also called: WILLIAMS DISTAL MYOPATHY. Identifiers: Orphanet 63273, MedGen C3279722, MONDO:0013550, OMIM 614065.
Myofibrillar myopathy 5. Also called: FILAMINOPATHY, AUTOSOMAL DOMINANT; Filaminopathy (type). Identifiers: Orphanet 171445, MedGen C1836050, MONDO:0012289, OMIM 609524.

Allele frequency attached by ClinVar (database versions not stated): gnomAD exomes below 0.00001; gnomAD 0.00004 and 0.00005; TOPMed 0.00008.
gnomAD v4.1: 15 of 1,614,046 alleles (0.00093%); highest among the groups gnomAD compares: African/African-American, 0.017%; no homozygotes.

Submissions (6):

PreventionGenetics, part of Exact Sciences
Classification: Likely benign for FLNC-related condition. Last evaluated: 2025-11-04. Review status: criteria provided, single submitter. Criteria: ACMG Guidelines, 2015. Collection method: clinical testing. Allele origin: germline.
Comment: This variant is classified as likely benign based on ACMG/AMP sequence variant interpretation guidelines (Richards et al. 2015 PMID: 25741868, with internal and published modifications).

Labcorp Genetics (formerly Invitae), Labcorp
Classification: Likely benign for Distal myopathy with posterior leg and anterior hand involvement; Myofibrillar myopathy 5; Hypertrophic cardiomyopathy 26. Last evaluated: 2025-10-03. Review status: criteria provided, single submitter. Criteria: Invitae Variant Classification Sherloc (09022015). Collection method: clinical testing. Allele origin: germline.

Women's Health and Genetics/Laboratory Corporation of America, LabCorp
Classification: Likely benign. Last evaluated: 2024-03-30. Review status: criteria provided, single submitter. Criteria: LabCorp Variant Classification Summary - May 2015. Collection method: clinical testing. Allele origin: germline.

Blueprint Genetics
Classification: Likely benign. Last evaluated: 2020-10-07. Review status: criteria provided, single submitter. Criteria: ACMG Guidelines, 2015. Collection method: clinical testing. Allele origin: germline.

Ambry Genetics
Classification: Likely benign for Cardiovascular phenotype. Last evaluated: 2019-07-27. Review status: criteria provided, single submitter. Criteria: Ambry Variant Classification Scheme 2023. Collection method: clinical testing. Allele origin: germline.

GeneDx
Classification: Likely benign. Last evaluated: 2018-10-31. Review status: criteria provided, single submitter. Criteria: GeneDx Variant Classification Process June 2021. Collection method: clinical testing. Allele origin: germline. Affected: yes.

NM_001458.5(FLNC):c.6312G>A (p.Glu2104=)

Genes: FLNC (filamin C; plus strand), FLNC-AS1 (FLNC antisense RNA 1; minus strand). Cytogenetic location: 7q32.1.
Variant type: single nucleotide variant.
Coding change: c.6312G>A on transcript NM_001458.5 (MANE Select); coding-DNA position 6312, G replaced by A.
Protein change: p.Glu2104=; no amino-acid change (glutamic acid 2104 retained).
Molecular consequence: synonymous variant.
Genome position (GRCh38, 1-based): chr7:128,853,572, G>A. VCF-style: chr7-128853572-G-A. GRCh37 (hg19) VCF-style: chr7-128493626-G-A.
Other names: c.6213G>A, p.Glu2071= (NM_001127487.2).
Identifiers: ClinVar variation 1084507 (VCV001084507.18), dbSNP rs979412217, ClinGen allele CA166190660.